The following is an entry in ClinVar:

NM_001134363.3(RBM20):c.2612AAG[1] (p.Glu872del)

Gene: RBM20 (RNA binding motif protein 20; plus strand). Cytogenetic location: 10q25.2.
Variant type: Microsatellite.
Coding change: c.2612AAG[1] on transcript NM_001134363.3 (MANE Select); one copy of the 3-base unit AAG starting at c.2612; the reference has two copies in a row; one copy, 3 bases deleted.
Protein change: p.Glu872del; deletes glutamic acid 872.
Molecular consequence: inframe deletion.
Genome position (GRCh38, 1-based): chr10:110,820,136-110,820,138, AAG deleted; deleting any 3 consecutive bases within chr10:110,820,133-110,820,138 gives the same sequence; the position shown is the placement nearest the transcript's 3' end. VCF-style (leftmost placement, unchanged base first): chr10-110820132-AAAG-A. GRCh37 (hg19) VCF-style: chr10-112579890-AAAG-A.
Other names: short protein forms E872del.
Identifiers: ClinVar variation 1345228 (VCV001345228.9), dbSNP rs1236064535, ClinGen allele CA378376883.

ClinVar aggregate classification (germline): Uncertain significance. Review status: criteria provided, multiple submitters, no conflicts (2 of 4 stars). 2 submissions from 2 submitters: Uncertain significance (2). Last evaluated 2025-11-28.

Conditions:
Cardiovascular phenotype. Identifiers: MedGen CN230736.
Dilated cardiomyopathy 1DD (CMD1DD). Identifiers: Orphanet 154, MedGen C2750995, MONDO:0013168, OMIM 613172.

Submissions (2):

Labcorp Genetics (formerly Invitae), Labcorp
Classification: Uncertain significance for Dilated cardiomyopathy 1DD. Last evaluated: 2025-11-28. Review status: criteria provided, single submitter. Criteria: Invitae Variant Classification Sherloc (09022015). Collection method: clinical testing. Allele origin: germline.
Comment: This variant, c.2615_2617del, results in the deletion of 1 amino acid(s) of the RBM20 protein (p.Glu872del), but otherwise preserves the integrity of the reading frame. This variant is present in population databases (no rsID available, gnomAD 0.01%). This variant has not been reported in the literature in individuals affected with RBM20-related conditions. Experimental studies and prediction algorithms are not available or were not evaluated, and the functional significance of this variant is currently unknown. In summary, the available evidence is currently insufficient to determine the role of this variant in disease. Therefore, it has been classified as a Variant of Uncertain Significance.

Ambry Genetics
Classification: Uncertain significance for Cardiovascular phenotype. Last evaluated: 2025-10-15. Review status: criteria provided, single submitter. Criteria: Ambry Variant Classification Scheme 2023. Collection method: clinical testing. Allele origin: germline.
Comment: The c.2615_2617delAAG variant (also known as p.E872del) is located in coding exon 10 of the RBM20 gene. This variant results from an in-frame AAG deletion at nucleotide positions 2615 to 2617. This results in the in-frame deletion of a glutamic acid at codon 872. This amino acid position is well conserved in available vertebrate species. In addition, this alteration is predicted to be neutral by in silico analysis (Choi Y et al. PLoS ONE. 2012; 7(10):e46688). Since supporting evidence is limited at this time, the clinical significance of this alteration remains unclear.